The following is an entry in ClinVar:

NM_005273.4(GNB2):c.265A>G (p.Lys89Glu)

Gene: GNB2 (G protein subunit beta 2; plus strand). Cytogenetic location: 7q22.1.
Variant type: single nucleotide variant.
Coding change: c.265A>G on transcript NM_005273.4 (MANE Select); coding-DNA position 265, A replaced by G.
Protein change: p.Lys89Glu; replaces lysine 89 with glutamic acid.
Molecular consequence: missense variant.
Genome position (GRCh38, 1-based): chr7:100,677,413, A>G. VCF-style: chr7-100677413-A-G. GRCh37 (hg19) VCF-style: chr7-100275036-A-G.
Other names: short protein forms K89E.
Identifiers: ClinVar variation 1217306 (VCV001217306.6), dbSNP rs2131350514, ClinGen allele CA368514972.

ClinVar aggregate classification (germline): Conflicting classifications of pathogenicity. Review status: criteria provided, conflicting classifications (1 of 4 stars). 3 submissions from 3 submitters: Pathogenic (1); Uncertain significance (1). 1 of the submissions does not count toward it. Last evaluated 2021-08-03.

Conditions:
Neurodevelopmental disorder with hypotonia and dysmorphic facies. Identifiers: MedGen C5561974, MONDO:0859185, OMIM 619503.
Sick sinus syndrome 4 (SSS4). Identifiers: MedGen C5561949, MONDO:0859173, OMIM 619464.

Submissions (3):

Equipe Genetique des Anomalies du Developpement, Université de Bourgogne
Classification: Pathogenic for Neurodevelopmental disorder with hypotonia and dysmorphic facies. Last evaluated: 2021-08-03. Review status: criteria provided, single submitter. Criteria: ACMG Guidelines, 2015. Collection method: clinical testing. Allele origin: de novo.

Juno Genomics, Hangzhou Juno Genomics, Inc
Classification: Uncertain significance for Sick sinus syndrome 4; Neurodevelopmental disorder with hypotonia and dysmorphic facies. Review status: criteria provided, single submitter. Criteria: ACMG Guidelines, 2015. Collection method: clinical testing. Allele origin: germline.
Comment: Absent from controls (or at extremely low frequency if recessive) in Genome Aggregation Database.;Missense variant in a gene that has a low rate of benign missense variation.;De novo (both maternity and paternity confirmed) in a patient with the disease and no family history.;The prevalence of the variant in affected individuals is significantly increased compared to the prevalence in controls.

OMIM
Classification: Pathogenic for NEURODEVELOPMENTAL DISORDER WITH HYPOTONIA AND DYSMORPHIC FACIES. Last evaluated: 2022-04-25. Review status: no assertion criteria provided. Collection method: literature only. Allele origin: germline. Not counted in ClinVar's aggregate classification.

Literature cited by the submitters: PubMed 31698099 (cited by Equipe Genetique des Anomalies du Developpement, Université de Bourgogne); PubMed 33971351 (cited by Equipe Genetique des Anomalies du Developpement, Université de Bourgogne); PubMed 34183358 (cited by Equipe Genetique des Anomalies du Developpement, Université de Bourgogne and OMIM).